The following is an entry in ClinVar:

ClinVar aggregate classification (germline): Pathogenic. Review status: criteria provided, multiple submitters, no conflicts (2 of 4 stars). 2 submissions from 2 submitters: Pathogenic (2). Last evaluated 2025-07-14.

Conditions:
Autosomal dominant polycystic kidney disease. Identifiers: Orphanet 730, MedGen C0085413, MONDO:0004691.
Polycystic kidney disease 2 (PKD2). Also called: POLYCYSTIC KIDNEY DISEASE 2 WITH OR WITHOUT POLYCYSTIC LIVER DISEASE; Polycystic Kidney Disease 2, Autosomal Dominant; POLYCYSTIC KIDNEY DISEASE, ADULT, TYPE II. Identifiers: MedGen C2751306, MONDO:0013131, OMIM 613095.

Submissions (2):

Labcorp Genetics (formerly Invitae), Labcorp
Classification: Pathogenic for Autosomal dominant polycystic kidney disease. Last evaluated: 2025-07-14. Review status: criteria provided, single submitter. Criteria: Invitae Variant Classification Sherloc (09022015). Collection method: clinical testing. Allele origin: germline.
Comment: This sequence change creates a premature translational stop signal (p.Ser219Cysfs*50) in the PKD2 gene. It is expected to result in an absent or disrupted protein product. Loss-of-function variants in PKD2 are known to be pathogenic (PMID: 17582161, 22863349). This variant is not present in population databases (gnomAD no frequency). This variant has not been reported in the literature in individuals affected with PKD2-related conditions. ClinVar contains an entry for this variant (Variation ID: 811885). For these reasons, this variant has been classified as Pathogenic.

ARUP Laboratories, Molecular Genetics and Genomics, ARUP Laboratories
Classification: Pathogenic for Polycystic kidney disease 2. Last evaluated: 2019-01-23. Review status: criteria provided, single submitter. Criteria: ARUP Molecular Germline Variant Investigation Process. Collection method: clinical testing. Allele origin: germline.
Comment: The PKD2 c.654_655delAA; p.Ser219fs variant, to our knowledge, is not reported in the medical literature or gene specific databases. This variant is also absent from general population databases (Exome Variant Server, Genome Aggregation Database), indicating it is not a common polymorphism. This variant causes a frameshift by deleting 2 nucleotides, so it is predicted to result in a truncated protein or mRNA subject to nonsense-mediated decay. Based on available information, this variant is considered to be pathogenic.

Literature cited by the submitters: PubMed 17582161 (cited by Labcorp Genetics (formerly Invitae), Labcorp); PubMed 22863349 (cited by Labcorp Genetics (formerly Invitae), Labcorp).

NM_000297.4(PKD2):c.654_655del (p.Ser219fs)

Gene: PKD2 (polycystin 2, transient receptor potential cation channel; plus strand). Cytogenetic location: 4q22.1.
Variant type: Deletion.
Coding change: c.654_655del on transcript NM_000297.4 (MANE Select); coding-DNA positions 654 to 655, 2 bases deleted (AA; older notation c.654_655delAA).
Protein change: p.Ser219fs; shifts the reading frame from serine 219.
Molecular consequence: frameshift variant. On other transcripts: non-coding transcript variant (1).
Genome position (GRCh38, 1-based): chr4:88,019,516-88,019,517, AA deleted; deleting any 2 consecutive bases within chr4:88,019,514-88,019,517 gives the same sequence; the c. name uses the placement nearest the transcript's 3' end. VCF-style (leftmost placement, unchanged base first): chr4-88019513-TAA-T. GRCh37 (hg19) VCF-style: chr4-88940665-TAA-T.
Other names: short protein forms S219fs.
Identifiers: ClinVar variation 811885 (VCV000811885.9), dbSNP rs1578118330, ClinGen allele CA915941904.